The following is an entry in ClinVar:

ClinVar aggregate classification (germline): Uncertain significance. Review status: criteria provided, multiple submitters, no conflicts (2 of 4 stars). 4 submissions from 4 submitters: Uncertain significance (4). Last evaluated 2026-03-10.

Conditions:
RELN-related disorder. Also called: RELN-related condition.
Norman-Roberts syndrome (LIS2). Also called: Lissencephaly 2 (Norman-Roberts type). Identifiers: Orphanet 89844, MedGen C0796089, MONDO:0009760, OMIM 257320.
Familial temporal lobe epilepsy 7. Identifiers: Orphanet 101046, MedGen C4225327, MONDO:0014639, OMIM 616436.

Allele frequency attached by ClinVar (database versions not stated): gnomAD exomes below 0.00001; gnomAD 0.00001; TOPMed 0.00001.

Submissions (4):

PreventionGenetics, part of Exact Sciences
Classification: Uncertain significance for RELN-related condition. Last evaluated: 2026-03-10. Review status: criteria provided, single submitter. Criteria: ACMG Guidelines, 2015. Collection method: clinical testing. Allele origin: germline.
Comment: The RELN c.4904T>G variant is predicted to result in the amino acid substitution p.Met1635Arg. This variant is reported in 0.0016% of alleles in individuals of European (Non-Finnish) descent in gnomAD. At this time, the clinical significance of this variant is uncertain due to the absence of conclusive functional and genetic evidence.

Blueprint Genetics
Classification: Uncertain significance. Last evaluated: 2023-09-29. Review status: criteria provided, single submitter. Criteria: ACMG Guidelines, 2015. Collection method: clinical testing. Allele origin: germline.

Labcorp Genetics (formerly Invitae), Labcorp
Classification: Uncertain significance for Familial temporal lobe epilepsy 7; Norman-Roberts syndrome. Last evaluated: 2022-10-07. Review status: criteria provided, single submitter. Criteria: Invitae Variant Classification Sherloc (09022015). Collection method: clinical testing. Allele origin: germline.
Comment: Advanced modeling of protein sequence and biophysical properties (such as structural, functional, and spatial information, amino acid conservation, physicochemical variation, residue mobility, and thermodynamic stability) performed at Invitae indicates that this missense variant is not expected to disrupt RELN protein function. ClinVar contains an entry for this variant (Variation ID: 951747). This missense change has been observed in individual(s) with clinical features of RELN-related conditions (PMID: 30091983). This variant is present in population databases (no rsID available, gnomAD 0.002%). This sequence change replaces methionine, which is neutral and non-polar, with arginine, which is basic and polar, at codon 1635 of the RELN protein (p.Met1635Arg). Algorithms developed to predict the effect of sequence changes on RNA splicing suggest that this variant may create or strengthen a splice site. In summary, the available evidence is currently insufficient to determine the role of this variant in disease. Therefore, it has been classified as a Variant of Uncertain Significance.

GeneDx
Classification: Uncertain significance. Last evaluated: 2019-03-20. Review status: criteria provided, single submitter. Criteria: GeneDx Variant Classification Process June 2021. Collection method: clinical testing. Allele origin: germline. Affected: yes.
Comment: Not observed at a significant frequency in large population cohorts (Lek et al., 2016); In silico analysis, which includes protein predictors and evolutionary conservation, supports that this variant does not alter protein structure/function; Has not been previously published as pathogenic or benign to our knowledge; This variant is associated with the following publications: (PMID: 30091983)

Literature cited by the submitters: PubMed 30091983 (cited by Labcorp Genetics (formerly Invitae), Labcorp).

NM_005045.4(RELN):c.4904T>G (p.Met1635Arg)

Gene: RELN (reelin; minus strand). Cytogenetic location: 7q22.1.
Variant type: single nucleotide variant.
Coding change: c.4904T>G on transcript NM_005045.4 (MANE Select); coding-DNA position 4904, T replaced by G.
Protein change: p.Met1635Arg; replaces methionine 1635 with arginine.
Molecular consequence: missense variant.
Genome position (GRCh38, 1-based): chr7:103,566,256, A>C on the plus strand (T>G on the coding strand, the complement: RELN is on the minus strand). VCF-style: chr7-103566256-A-C. GRCh37 (hg19) VCF-style: chr7-103206703-A-C.
Other names: c.4904T>G, p.Met1635Arg (NM_173054.3); short protein forms M1635R.
Identifiers: ClinVar variation 951747 (VCV000951747.11), dbSNP rs779701633, ClinGen allele CA368747741.